The following is an entry in ClinVar:

ClinVar aggregate classification (germline): Uncertain significance. Review status: criteria provided, multiple submitters, no conflicts (2 of 4 stars). 3 submissions from 3 submitters: Uncertain significance (3). Last evaluated 2023-10-06.

Conditions:
Polyhydramnios, megalencephaly, and symptomatic epilepsy (PMSE). Also called: PMSE SYNDROME. Identifiers: Orphanet 500533, MedGen C1970203, MONDO:0012611, OMIM 611087.

Allele frequency attached by ClinVar (database versions not stated): gnomAD 0.00001 and 0.00002; gnomAD exomes 0.00001; TOPMed 0.00002.
gnomAD v4.1: 12 of 1,613,950 alleles (0.00074%); highest among the groups gnomAD compares: African/African-American, 0.0027%; no homozygotes.

Submissions (3):

GeneDx
Classification: Uncertain significance. Last evaluated: 2023-10-06. Review status: criteria provided, single submitter. Criteria: GeneDx Variant Classification Process June 2021. Collection method: clinical testing. Allele origin: germline. Affected: yes.
Comment: Not observed at significant frequency in large population cohorts (gnomAD); In silico analysis supports that this missense variant does not alter protein structure/function; Has not been previously published as pathogenic or benign to our knowledge

Labcorp Genetics (formerly Invitae), Labcorp
Classification: Uncertain significance for Polyhydramnios, megalencephaly, and symptomatic epilepsy. Last evaluated: 2021-09-15. Review status: criteria provided, single submitter. Criteria: Invitae Variant Classification Sherloc (09022015). Collection method: clinical testing. Allele origin: germline.
Comment: This sequence change replaces asparagine with serine at codon 402 of the STRADA protein (p.Asn402Ser). The asparagine residue is moderately conserved and there is a small physicochemical difference between asparagine and serine. This variant is not present in population databases (ExAC no frequency). This variant has not been reported in the literature in individuals affected with STRADA-related conditions. Algorithms developed to predict the effect of missense changes on protein structure and function output the following: SIFT: "Tolerated"; PolyPhen-2: "Benign"; Align-GVGD: "Class C0". The serine amino acid residue is found in multiple mammalian species, which suggests that this missense change does not adversely affect protein function. Algorithms developed to predict the effect of sequence changes on RNA splicing suggest that this variant may create or strengthen a splice site. In summary, the available evidence is currently insufficient to determine the role of this variant in disease. Therefore, it has been classified as a Variant of Uncertain Significance.

Genetic Services Laboratory, University of Chicago
Classification: Uncertain significance. Last evaluated: 2021-08-03. Review status: criteria provided, single submitter. Criteria: ACMG Guidelines, 2015. Collection method: clinical testing. Allele origin: germline. Affected: no.
Comment: DNA sequence analysis of the STRADA gene demonstrated a sequence change, c.1205A>G, in exon 13 that results in an amino acid change, p.Asn402Ser. This sequence change does not appear to have been previously described in patients with STRADA-related disorders and has not been described in the population databases such as ExAC and gnomAD (dbSNP rs991274034). The p.Asn402Ser change affects a moderately conserved amino acid residue located in a domain of the STRADA protein that is not known to be functional. The p.Asn402Ser substitution appears to be benign using several in-silico pathogenicity prediction tools (SIFT, PolyPhen2, Align GVGD, REVEL). Due to these contrasting evidences and the lack of functional studies, the clinical significance of the p.Asn402Ser change remains unknown at this time.

NM_001003787.4(STRADA):c.1205A>G (p.Asn402Ser)

Gene: STRADA (STE20 related adaptor alpha; minus strand). Cytogenetic location: 17q23.3.
Variant type: single nucleotide variant.
Coding change: c.1205A>G on transcript NM_001003787.4 (MANE Select); coding-DNA position 1205, A replaced by G.
Protein change: p.Asn402Ser; replaces asparagine 402 with serine.
Molecular consequence: missense variant. On other transcripts: 3 prime UTR variant (6), synonymous variant (1), non-coding transcript variant (1).
Genome position (GRCh38, 1-based): chr17:63,703,690, T>C on the plus strand (A>G on the coding strand, the complement: STRADA is on the minus strand). VCF-style: chr17-63703690-T-C. GRCh37 (hg19) VCF-style: chr17-61781050-T-C.
Other names: c.1094A>G, p.Asn365Ser (NM_001003786.3); c.1031A>G, p.Asn344Ser (NM_001003788.3); c.*82A>G (NM_001165969.2, NM_001165970.2, NM_001363788.1 and 2 more transcripts); c.1181A>G, p.Asn394Ser (NM_001363786.1); c.1118A>G, p.Asn373Ser (NM_001363787.1); c.897A>G, p.Gln299= (NM_001363790.1); c.*593A>G (NM_153335.6); short protein forms N344S, N365S, N373S, N394S, N402S.
Identifiers: ClinVar variation 1338027 (VCV001338027.7), dbSNP rs991274034, ClinGen allele CA292940699.